The following is an entry in ClinVar:

NM_000089.4(COL1A2):c.2977G>T (p.Val993Phe)

Gene: COL1A2 (collagen type I alpha 2 chain; plus strand). Cytogenetic location: 7q21.3.
Variant type: single nucleotide variant.
Coding change: c.2977G>T on transcript NM_000089.4 (MANE Select); coding-DNA position 2977, G replaced by T.
Protein change: p.Val993Phe; replaces valine 993 with phenylalanine.
Molecular consequence: missense variant.
Genome position (GRCh38, 1-based): chr7:94,426,031, G>T. VCF-style: chr7-94426031-G-T. GRCh37 (hg19) VCF-style: chr7-94055343-G-T.
Other names: short protein forms V993F.
Identifiers: ClinVar variation 3268610 (VCV003268610.2).

ClinVar aggregate classification (germline): Uncertain significance. Review status: criteria provided, multiple submitters, no conflicts (2 of 4 stars). 2 submissions from 2 submitters: Uncertain significance (2). Last evaluated 2026-08-01.

Conditions:
Cardiovascular phenotype. Identifiers: MedGen CN230736.

Submissions (2):

CeGaT Center for Human Genetics Tuebingen
Classification: Uncertain significance. Last evaluated: 2026-08-01. Review status: criteria provided, single submitter. Criteria: CeGaT Center For Human Genetics Tuebingen Variant Classification Criteria Version 2. Collection method: clinical testing. Allele origin: germline. Affected: yes. Observed: 1 variant allele.
Comment: COL1A2: PM2

Ambry Genetics
Classification: Uncertain significance for Cardiovascular phenotype. Last evaluated: 2024-05-31. Review status: criteria provided, single submitter. Criteria: Ambry Variant Classification Scheme 2023. Collection method: clinical testing. Allele origin: germline.
Comment: The p.V993F variant (also known as c.2977G>T), located in coding exon 45 of the COL1A2 gene, results from a G to T substitution at nucleotide position 2977. The valine at codon 993 is replaced by phenylalanine, an amino acid with highly similar properties. This amino acid position is not well conserved in available vertebrate species. In addition, the in silico prediction for this alteration is inconclusive. Based on the available evidence, the clinical significance of this variant remains unclear.